The following is an entry in ClinVar:

ClinVar aggregate classification (germline): Uncertain significance (1 of 4 stars; one submission).

Submission:

CeGaT Center for Human Genetics Tuebingen
Classification: Uncertain significance. Last evaluated: 2024-07-01. Review status: criteria provided, single submitter. Criteria: CeGaT Center For Human Genetics Tuebingen Variant Classification Criteria Version 2. Collection method: clinical testing. Allele origin: germline. Affected: yes. Observed: 1 variant allele.
Comment: RET: PM2, PM5

NM_020975.6(RET):c.2450G>T (p.Arg817Leu)

Gene: RET (ret proto-oncogene; plus strand). Cytogenetic location: 10q11.21.
Variant type: single nucleotide variant.
Coding change: c.2450G>T on transcript NM_020975.6 (MANE Select); coding-DNA position 2450, G replaced by T.
Protein change: p.Arg817Leu; replaces arginine 817 with leucine.
Molecular consequence: missense variant.
Genome position (GRCh38, 1-based): chr10:43,119,588, G>T. VCF-style: chr10-43119588-G-T. GRCh37 (hg19) VCF-style: chr10-43615036-G-T.
Other names: c.2162G>T, p.Arg721Leu (NM_001406766.1, NM_001406767.1, NM_001406770.1); c.2186G>T, p.Arg729Leu (NM_001406768.1); c.2054G>T, p.Arg685Leu (NM_001406769.1, NM_001406772.1); c.2012G>T, p.Arg671Leu (NM_001406771.1, NM_001406773.1); c.1925G>T, p.Arg642Leu (NM_001406774.1); c.1433G>T, p.Arg478Leu (NM_001406785.1); c.1424G>T, p.Arg475Leu (NM_001406786.1, NM_001406783.1); c.1418G>T, p.Arg473Leu (NM_001406787.1); and 10 more; short protein forms R334L, R382L, R422L, R473L, R475L, R478L, R487L, R518L.
Identifiers: ClinVar variation 2640418 (VCV002640418.24), dbSNP rs1345166214, ClinGen allele CA376556211.
Genomic context (GRCh38, chr10:43,119,588, plus strand): 5'-CAGGCCCGCTCCTCCTCATCGTGGAGTACGCCAAATACGGCTCCCTGCGGGGCTTCCTCC[G>T]CGAGAGCCGCAAAGTGGGGCCTGGCTACCTGGGCAGTGGAGGCAGCCGCAACTCCAGCTC-3'
Protein context (NP_066124.1, residues 807-827): AKYGSLRGFL[Arg817Leu]ESRKVGPGYL